The following is an entry in ClinVar:

ClinVar aggregate classification (germline): Pathogenic. Review status: criteria provided, multiple submitters, no conflicts (2 of 4 stars). 8 submissions from 8 submitters: Pathogenic (7). 1 of the submissions does not count toward it. Last evaluated 2025-10-19.

Conditions:
TBX5-related disorder. Also called: TBX5-related condition.
Cardiovascular phenotype. Identifiers: MedGen CN230736.
Aortic valve disease 2 (AOVD2). Identifiers: MedGen C3542024, MONDO:0013902, OMIM 614823.
Holt-Oram syndrome (HOS). Also called: TBX5-Related Holt-Oram Syndrome; Ventriculo-radial syndrome; Cardiac-limb syndrome; Heart-hand syndrome, type 1. Identifiers: Orphanet 392, MedGen C0265264, MONDO:0007732, OMIM 142900.

Submissions (8):

Laboratorio de Genetica e Diagnostico Molecular, Hospital Israelita Albert Einstein
Classification: Pathogenic for Holt-Oram syndrome. Last evaluated: 2025-10-19. Review status: criteria provided, single submitter. Criteria: ACMG Guidelines, 2015. Collection method: clinical testing. Allele origin: germline. Affected: yes.
Comment: ACMG classification criteria: PVS1 very strong, PS4 strong, PM2 supporting, PP1 moderate

Labcorp Genetics (formerly Invitae), Labcorp
Classification: Pathogenic for Aortic valve disease 2. Last evaluated: 2024-04-15. Review status: criteria provided, single submitter. Criteria: Invitae Variant Classification Sherloc (09022015). Collection method: clinical testing. Allele origin: germline.
Comment: This sequence change creates a premature translational stop signal (p.Ser196*) in the TBX5 gene. It is expected to result in an absent or disrupted protein product. Loss-of-function variants in TBX5 are known to be pathogenic (PMID: 16183809, 16917909). This variant is not present in population databases (gnomAD no frequency). This premature translational stop signal has been observed in individual(s) with Holt-Oran syndrome (PMID: 8988164, 10077612, 12789647, 15710732, 17534187). This variant is also known as c.1243C>A. ClinVar contains an entry for this variant (Variation ID: 279906). For these reasons, this variant has been classified as Pathogenic.

Ambry Genetics
Classification: Pathogenic for Cardiovascular phenotype. Last evaluated: 2024-02-27. Review status: criteria provided, single submitter. Criteria: Ambry Variant Classification Scheme 2023. Collection method: clinical testing. Allele origin: germline.
Comment: The c.587C>A (p.S196*) alteration, located in exon 6 (coding exon 5) of the TBX5 gene, consists of a C to A substitution at nucleotide position 587. This changes the amino acid from a serine (S) to a stop codon at amino acid position 196. This alteration is expected to result in loss of function by premature protein truncation or nonsense-mediated mRNA decay. This variant was not reported in population-based cohorts in the Genome Aggregation Database (gnomAD). This variant was reported in multiple individuals with features consistent with Holt-Oram syndrome (Basson, 1999; Brassington, 2003; McDermott, 2005; Debeer, 2007) and has been determined to be the result of a de novo mutation or germline mosaicism in two families (Li, 1997; Sobh, 2022). Based on the available evidence, this alteration is classified as pathogenic.

GeneDx
Classification: Pathogenic. Last evaluated: 2024-01-11. Review status: criteria provided, single submitter. Criteria: GeneDx Variant Classification Process June 2021. Collection method: clinical testing. Allele origin: germline. Affected: yes.
Comment: Identified in additional patients with Holt-Oram syndrome in published literature (PMID: 16183809, 12789647, 10077612, 17534187); Nonsense variant predicted to result in protein truncation or nonsense mediated decay in a gene for which loss of function is a known mechanism of disease; Not observed at significant frequency in large population cohorts (gnomAD); This variant is associated with the following publications: (PMID: 25623069, 25525159, 34159885, 15710732, 8988164, 16183809, 25263169, 12789647, 10077612, 17534187)

Clinical Genetics Laboratory, Skane University Hospital Lund
Classification: Pathogenic. Last evaluated: 2023-01-16. Review status: criteria provided, single submitter. Criteria: ACMG Guidelines, 2015. Collection method: clinical testing. Allele origin: germline. Affected: yes.

Revvity Omics, Revvity
Classification: Pathogenic for Holt-Oram syndrome. Last evaluated: 2021-02-10. Review status: criteria provided, single submitter. Criteria: ACMG Guidelines, 2015. Collection method: clinical testing. Allele origin: germline.

Blueprint Genetics
Classification: Pathogenic for TBX5-related disorders. Last evaluated: 2020-11-30. Review status: criteria provided, single submitter. Criteria: ACMG Guidelines, 2015. Collection method: clinical testing. Allele origin: germline. Affected: yes. Observed: 3 variant alleles.

Centre de Biologie Pathologie Génétique, Centre Hospitalier Universitaire de Lille
Classification: Pathogenic for Holt-Oram syndrome. Last evaluated: 2018-06-14. Review status: no assertion criteria provided. Collection method: clinical testing. Allele origin: unknown. Affected: yes. Not counted in ClinVar's aggregate classification.

Literature cited by the submitters: PubMed 16183809 (cited by Labcorp Genetics (formerly Invitae), Labcorp and Ambry Genetics); PubMed 16917909 (cited by Labcorp Genetics (formerly Invitae), Labcorp); PubMed 8988164 (cited by Labcorp Genetics (formerly Invitae), Labcorp and Ambry Genetics); PubMed 10077612 (cited by Labcorp Genetics (formerly Invitae), Labcorp and Ambry Genetics); PubMed 12789647 (cited by Labcorp Genetics (formerly Invitae), Labcorp and Ambry Genetics); PubMed 15710732 (cited by Labcorp Genetics (formerly Invitae), Labcorp); PubMed 17534187 (cited by Labcorp Genetics (formerly Invitae), Labcorp and Ambry Genetics); PubMed 2070544 (cited by Ambry Genetics); PubMed 8911604 (cited by Ambry Genetics); PubMed 14402857 (cited by Ambry Genetics); PubMed 25680289 (cited by Ambry Genetics); PubMed 34159885 (cited by Ambry Genetics).

NM_181486.4(TBX5):c.587C>A (p.Ser196Ter)

Gene: TBX5 (T-box transcription factor 5; minus strand). Cytogenetic location: 12q24.21.
Variant type: single nucleotide variant.
Coding change: c.587C>A on transcript NM_181486.4 (MANE Select); coding-DNA position 587, C replaced by A.
Protein change: p.Ser196Ter; replaces serine 196 with a stop codon.
Molecular consequence: nonsense.
Genome position (GRCh38, 1-based): chr12:114,394,817, G>T on the plus strand (C>A on the coding strand, the complement: TBX5 is on the minus strand). VCF-style: chr12-114394817-G-T. GRCh37 (hg19) VCF-style: chr12-114832622-G-T.
Other names: c.587C>A, p.Ser196Ter (NM_000192.3); c.437C>A, p.Ser146Ter (NM_080717.4); short protein forms S196*, S146*.
Identifiers: ClinVar variation 279906 (VCV000279906.22), dbSNP rs886041247, ClinGen allele CA10603231.
Genomic context (GRCh38, chr12:114,394,817, plus strand): 5'-GAAGTCACTGCTATAAACGCAGTCTCAGGAAAGACGTGAGTGCAGAACGCTGTATTTTTT[G>T]AGCCAAATCCATTATTTTCATCCGCTTTCACGATGTGTAATCTAGGCTGGTATTTGTGCA-3'